The following is an entry in ClinVar:

ClinVar aggregate classification (germline): Conflicting classifications of pathogenicity. Review status: criteria provided, conflicting classifications (1 of 4 stars). 2 submissions from 2 submitters: Uncertain significance (1); Likely benign (1). Last evaluated 2023-03-23.

Conditions:
Hereditary breast ovarian cancer syndrome. Also called: Hereditary breast and ovarian cancer syndrome; BRCA1- and BRCA2-Associated Hereditary Breast and Ovarian Cancer; Hereditary breast and/or ovarian cancer syndrome; Hereditary breast and ovarian cancer; Hereditary breast and ovarian cancer syndrome (HBOC); Breast and ovarian cancer. Identifiers: Orphanet 145, MedGen C0677776, MeSH D061325, MONDO:0003582. Disease mechanism: loss of function.
Hereditary cancer-predisposing syndrome. Also called: Neoplastic Syndromes, Hereditary; Hereditary Cancer Syndrome; Tumor predisposition; Hereditary neoplastic syndrome. Identifiers: Orphanet 140162, MedGen C0027672, MeSH D009386, MONDO:0015356.

Submissions (2):

University of Washington Department of Laboratory Medicine, University of Washington
Classification: Likely benign for Hereditary cancer-predisposing syndrome. Last evaluated: 2023-03-23. Review status: criteria provided, single submitter. Criteria: Dines et al. (Genet Med. 2020). Collection method: curation. Allele origin: germline.
Comment: Missense variant in a coldspot region where missense variants are very unlikely to be pathogenic (PMID:31911673).

BRCA1 coldspot (exon 11 using historical exon numbering). Reclassification based on statistical prior probability

Labcorp Genetics (formerly Invitae), Labcorp
Classification: Uncertain significance for Hereditary breast ovarian cancer syndrome. Last evaluated: 2019-12-11. Review status: criteria provided, single submitter. Criteria: Invitae Variant Classification Sherloc (09022015). Collection method: clinical testing. Allele origin: germline.
Comment: In summary, the available evidence is currently insufficient to determine the role of this variant in disease. Therefore, it has been classified as a Variant of Uncertain Significance. Algorithms developed to predict the effect of missense changes on protein structure and function are either unavailable or do not agree on the potential impact of this missense change (SIFT: "Tolerated"; PolyPhen-2: "Possibly Damaging"; Align-GVGD: "Class C0"). This variant has not been reported in the literature in individuals with BRCA1-related conditions. This variant is not present in population databases (ExAC no frequency). This sequence change replaces isoleucine with methionine at codon 587 of the BRCA1 protein (p.Ile587Met). The isoleucine residue is moderately conserved and there is a small physicochemical difference between isoleucine and methionine.

NM_007294.4(BRCA1):c.1761A>G (p.Ile587Met)

Gene: BRCA1 (BRCA1 DNA repair associated; minus strand). Cytogenetic location: 17q21.31.
Variant type: single nucleotide variant.
Coding change: c.1761A>G on transcript NM_007294.4 (MANE Select); coding-DNA position 1761, A replaced by G.
Protein change: p.Ile587Met; replaces isoleucine 587 with methionine.
Molecular consequence: missense variant. On other transcripts: intron variant (137).
Genome position (GRCh38, 1-based): chr17:43,093,770, T>C on the plus strand (A>G on the coding strand, the complement: BRCA1 is on the minus strand). VCF-style: chr17-43093770-T-C. GRCh37 (hg19) VCF-style: chr17-41245787-T-C.
Other names: c.1548A>G, p.Ile516Met (NM_001407571.1, NM_001407853.1, NM_001407894.1 and 9 more transcripts); c.1761A>G, p.Ile587Met (NM_001407581.1, NM_001407582.1, NM_001407583.1 and 30 more transcripts); c.1758A>G, p.Ile586Met (NM_001407587.1, NM_001407590.1, NM_001407591.1 and 22 more transcripts); c.1752A>G, p.Ile584Met (NM_001407646.1, NM_001407647.1); c.1638A>G, p.Ile546Met (NM_001407648.1, NM_001407664.1, NM_001407665.1 and 19 more transcripts); c.1635A>G, p.Ile545Met (NM_001407649.1, NM_001407670.1, NM_001407671.1 and 11 more transcripts); c.1683A>G, p.Ile561Met (NM_001407653.1, NM_001407654.1, NM_001407655.1 and 4 more transcripts); c.1680A>G, p.Ile560Met (NM_001407659.1, NM_001407660.1, NM_001407661.1 and 1 more transcripts); and 40 more; short protein forms I587M, I540M, I291M, I460M, I520M, I539M, I546M, I561M.
Identifiers: ClinVar variation 853783 (VCV000853783.13), dbSNP rs1057523389, ClinGen allele CA10598506.